The following is an entry in ClinVar:

NM_018082.6(POLR3B):c.770C>T (p.Thr257Ile)

Gene: POLR3B (RNA polymerase III subunit B; plus strand). Cytogenetic location: 12q23.3.
Variant type: single nucleotide variant.
Coding change: c.770C>T on transcript NM_018082.6 (MANE Select); coding-DNA position 770, C replaced by T.
Protein change: p.Thr257Ile; replaces threonine 257 with isoleucine.
Molecular consequence: missense variant.
Genome position (GRCh38, 1-based): chr12:106,393,077, C>T. VCF-style: chr12-106393077-C-T. GRCh37 (hg19) VCF-style: chr12-106786855-C-T.
Other names: c.596C>T, p.Thr199Ile (NM_001160708.2); short protein forms T199I, T257I.
Identifiers: ClinVar variation 4535332 (VCV004535332.6).
Genomic context (GRCh38, chr12:106,393,077, plus strand): 5'-TCTTTCCTTCCTAGGCCATGGGTGTTGAGAGTGACCAGGAAATTGTGCAGATGATTGGAA[C>T]AGAGGAGCACGTGATGGCTGCATTTGGGCCCAGTCTGGAAGAGTGCCAGAAAGCTCAGAT-3'
Protein context (NP_060552.4, residues 247-267): SDQEIVQMIG[Thr257Ile]EEHVMAAFGP

ClinVar aggregate classification (germline): Uncertain significance (1 of 4 stars; one submission).

gnomAD v4.1: 1 of 1,614,190 alleles (0.000062%); highest among the groups gnomAD compares: East Asian, 0.0022%; no homozygotes.

Submission:

CeGaT Center for Human Genetics Tuebingen
Classification: Uncertain significance. Last evaluated: 2025-11-01. Review status: criteria provided, single submitter. Criteria: CeGaT Center For Human Genetics Tuebingen Variant Classification Criteria Version 2. Collection method: clinical testing. Allele origin: germline. Affected: yes. Observed: 1 variant allele.
Comment: POLR3B: PM2